The following is an entry in ClinVar:

NM_001042492.3(NF1):c.587-20A>T

Gene: NF1 (neurofibromin 1; plus strand). Cytogenetic location: 17q11.2.
Variant type: single nucleotide variant.
Coding change: c.587-20A>T on transcript NM_001042492.3 (MANE Select); 20 bases into the intron before coding-DNA position 587, A replaced by T.
Molecular consequence: intron variant.
Genome position (GRCh38, 1-based): chr17:31,181,402, A>T. VCF-style: chr17-31181402-A-T. GRCh37 (hg19) VCF-style: chr17-29508420-A-T.
Other names: c.587-20A>T (NM_000267.4, NM_001128147.3).
Identifiers: ClinVar variation 1544092 (VCV001544092.11), dbSNP rs776533188, ClinGen allele CA8485567.

ClinVar aggregate classification (germline): Likely benign. Review status: criteria provided, multiple submitters, no conflicts (2 of 4 stars). 4 submissions from 4 submitters: Likely benign (4). Last evaluated 2026-05-11.

Conditions:
Neurofibromatosis, type 1 (NF1). Also called: VON RECKLINGHAUSEN DISEASE; Neurofibromatosis, type I; Peripheral type neurofibromatosis; NEUROFIBROMATOSIS, TYPE I, SOMATIC. Identifiers: Orphanet 636, MedGen C0027831, MONDO:0018975, OMIM 162200. Disease mechanism: loss of function.
Neurofibromatosis, familial spinal (FSNF). Identifiers: Orphanet 636, MedGen C1834235, MONDO:0008078, OMIM 162210. Disease mechanism: loss of function.
Juvenile myelomonocytic leukemia (JMML). Also called: LEUKEMIA, JUVENILE MYELOMONOCYTIC, SOMATIC. Identifiers: Orphanet 86834, MedGen C0349639, MONDO:0011908, OMIM 607785, HP:0012209.
Neurofibromatosis-Noonan syndrome (NFNS). Also called: NEUROFIBROMATOSIS WITH NOONAN PHENOTYPE. Identifiers: Orphanet 638, MedGen C2931482, MONDO:0011035, OMIM 601321. Disease mechanism: loss of function.
Café-au-lait macules with pulmonary stenosis (WTSN). Also called: PULMONIC STENOSIS WITH CAFE-AU-LAIT SPOTS. Identifiers: MedGen C0553586, MONDO:0008672, OMIM 193520.

Allele frequency attached by ClinVar (database versions not stated): gnomAD exomes 0.00001 and 0.00002; TOPMed 0.00001; ExAC 0.00002.
gnomAD v4.1: 18 of 1,609,596 alleles (0.0011%); highest among the groups gnomAD compares: East Asian, 0.0022%; no homozygotes.

Submissions (4):

Myriad Genetics, Inc.
Classification: Likely benign for Neurofibromatosis, type 1. Last evaluated: 2026-05-11. Review status: criteria provided, single submitter. Criteria: Myriad Autosomal Dominant, Autosomal Recessive and X-Linked Classification Criteria (2023). Collection method: clinical testing. Allele origin: unknown.
Comment: This variant is considered likely benign. This variant is intronic and is not expected to impact mRNA splicing.

Labcorp Genetics (formerly Invitae), Labcorp
Classification: Likely benign for Neurofibromatosis, type 1. Last evaluated: 2025-12-31. Review status: criteria provided, single submitter. Criteria: Invitae Variant Classification Sherloc (09022015). Collection method: clinical testing. Allele origin: germline.

Blueprint Genetics
Classification: Likely benign. Last evaluated: 2024-09-17. Review status: criteria provided, single submitter. Criteria: ACMG Guidelines, 2015. Collection method: clinical testing. Allele origin: germline.

Fulgent Genetics
Classification: Likely benign for Neurofibromatosis, type 1; Neurofibromatosis, familial spinal; Café-au-lait macules with pulmonary stenosis; Neurofibromatosis-Noonan syndrome; Juvenile myelomonocytic leukemia. Last evaluated: 2021-12-28. Review status: criteria provided, single submitter. Criteria: ACMG Guidelines, 2015. Collection method: clinical testing. Allele origin: unknown.